The following is an entry in ClinVar:

NM_000094.4(COL7A1):c.1735dup (p.Val579fs)

Gene: COL7A1 (collagen type VII alpha 1 chain; minus strand). Cytogenetic location: 3p21.31.
Variant type: Duplication.
Coding change: c.1735dup on transcript NM_000094.4 (MANE Select); coding-DNA position 1735, one base duplicated (G; older notation c.1735dupG).
Protein change: p.Val579fs; shifts the reading frame from valine 579.
Molecular consequence: frameshift variant.
Genome position (GRCh38, 1-based): chr3:48,590,718, C duplicated on the plus strand (G on the coding strand, the reverse complement: COL7A1 is on the minus strand). VCF-style (leftmost placement, unchanged base first): chr3-48590717-A-AC. GRCh37 (hg19) VCF-style: chr3-48628150-A-AC.
Other names: short protein forms V579fs.
Identifiers: ClinVar variation 2119832 (VCV002119832.4), dbSNP rs2531299088, ClinGen allele CA2580070027.

ClinVar aggregate classification (germline): Pathogenic (1 of 4 stars; one submission).

Submission:

Labcorp Genetics (formerly Invitae), Labcorp
Classification: Pathogenic. Last evaluated: 2022-03-31. Review status: criteria provided, single submitter. Criteria: Invitae Variant Classification Sherloc (09022015). Collection method: clinical testing. Allele origin: germline.
Comment: This sequence change creates a premature translational stop signal (p.Val579Glyfs*5) in the COL7A1 gene. It is expected to result in an absent or disrupted protein product. Loss-of-function variants in COL7A1 are known to be pathogenic (PMID: 16971478). This variant is not present in population databases (gnomAD no frequency). This variant has not been reported in the literature in individuals affected with COL7A1-related conditions. Algorithms developed to predict the effect of sequence changes on RNA splicing suggest that this variant may create or strengthen a splice site. For these reasons, this variant has been classified as Pathogenic.

Literature cited by the submitters: PubMed 16971478.